The following is an entry in ClinVar:

NM_006031.6(PCNT):c.584G>A (p.Arg195His)

Gene: PCNT (pericentrin; plus strand). Cytogenetic location: 21q22.3.
Variant type: single nucleotide variant.
Coding change: c.584G>A on transcript NM_006031.6 (MANE Select); coding-DNA position 584, G replaced by A.
Protein change: p.Arg195His; replaces arginine 195 with histidine.
Molecular consequence: missense variant.
Genome position (GRCh38, 1-based): chr21:46,334,713, G>A. VCF-style: chr21-46334713-G-A. GRCh37 (hg19) VCF-style: chr21-47754627-G-A.
Other names: c.230G>A, p.Arg77His (NM_001315529.2); short protein forms R77H, R195H.
Identifiers: ClinVar variation 3210373 (VCV003210373.2), dbSNP rs774194447, ClinGen allele CA10078305.

ClinVar aggregate classification (germline): Uncertain significance. Review status: criteria provided, multiple submitters, no conflicts (2 of 4 stars). 2 submissions from 2 submitters: Uncertain significance (2). Last evaluated 2026-06-11.

Conditions:
PCNT-related disorder. Also called: PCNT-related condition.
Inborn genetic diseases. Identifiers: MedGen C0950123, MeSH D030342.

Allele frequency attached by ClinVar (database versions not stated): ExAC 0.00002; gnomAD 0.00003.

Submissions (2):

PreventionGenetics, part of Exact Sciences
Classification: Uncertain significance for PCNT-related condition. Last evaluated: 2026-06-11. Review status: criteria provided, single submitter. Criteria: ACMG Guidelines, 2015. Collection method: clinical testing. Allele origin: germline.
Comment: The PCNT c.584G>A variant is predicted to result in the amino acid substitution p.Arg195His. To our knowledge, this variant has not been reported in the literature. This variant is reported in 0.0080% of alleles in individuals of African descent in gnomAD. At this time, the clinical significance of this variant is uncertain due to the absence of conclusive functional and genetic evidence.

Ambry Genetics
Classification: Uncertain significance for Inborn genetic diseases. Last evaluated: 2023-11-13. Review status: criteria provided, single submitter. Criteria: Ambry Variant Classification Scheme 2023. Collection method: clinical testing. Allele origin: germline.